The following is an entry in ClinVar:

NM_015102.5(NPHP4):c.3498G>T (p.Glu1166Asp)

Gene: NPHP4 (nephrocystin 4; minus strand). Cytogenetic location: 1p36.31.
Variant type: single nucleotide variant.
Coding change: c.3498G>T on transcript NM_015102.5 (MANE Select); coding-DNA position 3498, G replaced by T.
Protein change: p.Glu1166Asp; replaces glutamic acid 1166 with aspartic acid.
Molecular consequence: missense variant. On other transcripts: non-coding transcript variant (1).
Genome position (GRCh38, 1-based): chr1:5,867,090, C>A on the plus strand (G>T on the coding strand, the complement: NPHP4 is on the minus strand). VCF-style: chr1-5867090-C-A. GRCh37 (hg19) VCF-style: chr1-5927150-C-A.
Other names: c.1959G>T, p.Glu653Asp (NM_001291593.2); c.1962G>T, p.Glu654Asp (NM_001291594.2); short protein forms E1166D, E653D, E654D.
Identifiers: ClinVar variation 1064760 (VCV001064760.1), dbSNP rs1387983031, ClinGen allele CA338051257.
Genomic context (GRCh38, chr1:5,867,090, plus strand): 5'-CACATTCTGGGTCTCACAGATGACGTTCGGGTCGCTGCAGCGAACATGGACTGGGGGGTC[C>A]TCACCAAGCATTCCCACCGGAGCACCTGGAGCAGGGGAAATGTCAAAAAGAGTCTTCTCC-3'
Protein context (NP_055917.1, residues 1156-1176): FPGAPVGMLG[Glu1166Asp]DPPVHVRCSD

ClinVar aggregate classification (germline): Uncertain significance (1 of 4 stars; one submission).

Conditions:
Senior-Loken syndrome 4 (SLSN4). Identifiers: Orphanet 3156, MedGen C1846979, MONDO:0011756, OMIM 606996.

Submission:

Ocular Genomics Institute, Massachusetts Eye and Ear
Classification: Uncertain significance for Senior-Loken syndrome 4. Last evaluated: 2021-04-08. Review status: criteria provided, single submitter. Criteria: ACMG Guidelines, 2015. Collection method: research. Allele origin: germline. Affected: yes.
Comment: Through a review of available evidence we were able to apply the following criteria: PM2. Based on this evidence we have classified this variant as Variant of Uncertain Significance.